The following is an entry in ClinVar:

NM_002470.4(MYH3):c.3072C>G (p.Thr1024=)

Gene: MYH3 (myosin heavy chain 3; minus strand). Cytogenetic location: 17p13.1.
Variant type: single nucleotide variant.
Coding change: c.3072C>G on transcript NM_002470.4 (MANE Select); coding-DNA position 3072, C replaced by G.
Protein change: p.Thr1024=; no amino-acid change (threonine 1024 retained).
Molecular consequence: synonymous variant.
Genome position (GRCh38, 1-based): chr17:10,639,328, G>C on the plus strand (C>G on the coding strand, the complement: MYH3 is on the minus strand). VCF-style: chr17-10639328-G-C. GRCh37 (hg19) VCF-style: chr17-10542645-G-C.
Identifiers: ClinVar variation 258678 (VCV000258678.15), dbSNP rs139544273, ClinGen allele CA8392627.

ClinVar aggregate classification (germline): Conflicting classifications of pathogenicity. Review status: criteria provided, conflicting classifications (1 of 4 stars). 5 submissions from 4 submitters: Uncertain significance (1); Benign (1); Likely benign (3). Last evaluated 2026-01-29.

Conditions:
Freeman-Sheldon syndrome (DA2A). Also called: CRANIOCARPOTARSAL DYSPLASIA; CRANIOCARPOTARSAL DYSTROPHY; WHISTLING FACE-WINDMILL VANE HAND SYNDROME; Arthrogryposis, distal, type 2A (Freeman-Sheldon). Identifiers: Orphanet 2053, MedGen C0265224, MONDO:0008675, OMIM 193700.
Distal arthrogryposis type 2B1 (DA2B1). Also called: Arthrogryposis multiplex congenita distal type II with craniofacial abnormalities. Identifiers: Orphanet 1147, MedGen C5193014, MONDO:0020820, OMIM 601680.

Allele frequency attached by ClinVar (database versions not stated): gnomAD exomes 0.00041 and 0.00074; ExAC 0.00048; gnomAD 0.00050; TOPMed 0.00051; 1000 Genomes Project 0.00060; 1000 Genomes Project 30x 0.00062; ESP Exome Variant Server 0.00062.
gnomAD v4.1: 1,164 of 1,614,076 alleles (0.072%); highest among the groups gnomAD compares: Non-Finnish European, 0.084%; 1 homozygote.

Submissions (5):

Labcorp Genetics (formerly Invitae), Labcorp
Classification: Likely benign. Last evaluated: 2026-01-29. Review status: criteria provided, single submitter. Criteria: Invitae Variant Classification Sherloc (09022015). Collection method: clinical testing. Allele origin: germline.

Blueprint Genetics
Classification: Likely benign. Last evaluated: 2024-10-17. Review status: criteria provided, single submitter. Criteria: ACMG Guidelines, 2015. Collection method: clinical testing. Allele origin: germline.

Illumina Laboratory Services, Illumina
Classification: Uncertain significance for Distal arthrogryposis type 2B1. Last evaluated: 2018-01-12. Review status: criteria provided, single submitter. Criteria: ICSL Variant Classification Criteria 13 December 2019. Collection method: clinical testing. Allele origin: germline.

Illumina Laboratory Services, Illumina
Classification: Benign for Freeman-Sheldon syndrome. Last evaluated: 2018-01-12. Review status: criteria provided, single submitter. Criteria: ICSL Variant Classification Criteria 13 December 2019. Collection method: clinical testing. Allele origin: germline.
Comment: This variant was observed in the ICSL laboratory as part of a predisposition screen in an ostensibly healthy population. It had not been previously curated by ICSL or reported in the Human Gene Mutation Database (HGMD: prior to June 1st, 2018), and was therefore a candidate for classification through an automated scoring system. Utilizing variant allele frequency, disease prevalence and penetrance estimates, and inheritance mode, an automated score was calculated to assess if this variant is too frequent to cause the disease. Based on the score and internal cut-off values, a variant classified as benign is not then subjected to further curation. The score for this variant resulted in a classification of benign for this disease.

PreventionGenetics, part of Exact Sciences
Classification: Likely benign. Review status: criteria provided, single submitter. Criteria: ACMG Guidelines, 2015. Collection method: clinical testing. Allele origin: germline.